The following is an entry in ClinVar:

ClinVar aggregate classification (germline): Likely pathogenic (1 of 4 stars; one submission).

Submission:

Labcorp Genetics (formerly Invitae), Labcorp
Classification: Likely pathogenic. Last evaluated: 2022-08-25. Review status: criteria provided, single submitter. Criteria: Invitae Variant Classification Sherloc (09022015). Collection method: clinical testing. Allele origin: germline.
Comment: In summary, the currently available evidence indicates that the variant is pathogenic, but additional data are needed to prove that conclusively. Therefore, this variant has been classified as Likely Pathogenic. Algorithms developed to predict the effect of missense changes on protein structure and function are either unavailable or do not agree on the potential impact of this missense change (SIFT: "Tolerated"; PolyPhen-2: "Probably Damaging"; Align-GVGD: "Class C0"). ClinVar contains an entry for this variant (Variation ID: 1349297). This missense change has been observed in individual(s) with clinical features of CLCN4-related conditions (Invitae). In at least one individual the variant was observed to be de novo. This variant is not present in population databases (gnomAD no frequency). This sequence change replaces serine, which is neutral and polar, with glycine, which is neutral and non-polar, at codon 283 of the CLCN4 protein (p.Ser283Gly).

NM_001830.4(CLCN4):c.847A>G (p.Ser283Gly)

Gene: CLCN4 (chloride voltage-gated channel 4; plus strand). Cytogenetic location: Xp22.2.
Variant type: single nucleotide variant.
Coding change: c.847A>G on transcript NM_001830.4 (MANE Select); coding-DNA position 847, A replaced by G.
Protein change: p.Ser283Gly; replaces serine 283 with glycine.
Molecular consequence: missense variant.
Genome position (GRCh38, 1-based): chrX:10,208,048, A>G. VCF-style: chrX-10208048-A-G. GRCh37 (hg19) VCF-style: chrX-10176088-A-G.
Other names: c.565A>G, p.Ser189Gly (NM_001256944.2); short protein forms S189G, S283G.
Identifiers: ClinVar variation 1349297 (VCV001349297.6), dbSNP rs2147179477, ClinGen allele CA412037288.